The following is an entry in ClinVar:

NM_014363.6(SACS):c.25G>A (p.Val9Ile)

Genes: SACS (sacsin molecular chaperone; minus strand), LOC130009366 (ATAC-STARR-seq lymphoblastoid silent region 5172; plus strand). Cytogenetic location: 13q12.12.
Variant type: single nucleotide variant.
Coding change: c.25G>A on transcript NM_014363.6 (MANE Select); coding-DNA position 25, G replaced by A.
Protein change: p.Val9Ile; replaces valine 9 with isoleucine.
Molecular consequence: missense variant. On other transcripts: 5 prime UTR variant (1).
Genome position (GRCh38, 1-based): chr13:23,375,265, C>T on the plus strand (G>A on the coding strand, the complement: SACS is on the minus strand). VCF-style: chr13-23375265-C-T. GRCh37 (hg19) VCF-style: chr13-23949404-C-T.
Other names: c.-329G>A (NM_001278055.2); short protein forms V9I.
Identifiers: ClinVar variation 1031265 (VCV001031265.1), dbSNP rs939705811, ClinGen allele CA246691891.

ClinVar aggregate classification (germline): Uncertain significance (1 of 4 stars; one submission).

Conditions:
Charlevoix-Saguenay spastic ataxia (SACS). Also called: AUTOSOMAL RECESSIVE SPASTIC ATAXIA OF CHARLEVOIX-SAGUENAY; Spastic ataxia of Charlevoix-Saguenay; SPASTIC ATAXIA 6, AUTOSOMAL RECESSIVE. Identifiers: Orphanet 98, MedGen C1849140, MONDO:0010041, OMIM 270550.

Allele frequency attached by ClinVar (database versions not stated): TOPMed 0.00003.

Submission:

Baylor Genetics
Classification: Uncertain significance for Charlevoix-Saguenay spastic ataxia. Last evaluated: 2020-03-12. Review status: criteria provided, single submitter. Criteria: ACMG Guidelines, 2015. Collection method: clinical testing. Allele origin: maternal. Affected: yes.
Comment: This variant was determined to be of uncertain significance according to ACMG Guidelines, 2015 [PMID:25741868].